The following is an entry in ClinVar:

ClinVar aggregate classification (germline): Uncertain significance (1 of 4 stars; one submission).

Conditions:
ZNF341-related disorder. Also called: ZNF341-related condition.

Allele frequency attached by ClinVar (database versions not stated): gnomAD exomes below 0.00001; TOPMed 0.00014; gnomAD 0.00024.
gnomAD v4.1: 37 of 1,353,424 alleles (0.0027%); highest among the groups gnomAD compares: Admixed American, 0.13%; no homozygotes.

Submission:

PreventionGenetics, part of Exact Sciences
Classification: Uncertain significance for ZNF341-related condition. Last evaluated: 2023-01-17. Review status: criteria provided, single submitter. Criteria: ACMG Guidelines, 2015. Collection method: clinical testing. Allele origin: germline.
Comment: The ZNF341 c.20A>G variant is predicted to result in the amino acid substitution p.Glu7Gly. To our knowledge, this variant has not been reported in the literature. This variant is reported in 0.031% of alleles in individuals of Latino descent in gnomAD. At this time, the clinical significance of this variant is uncertain due to the absence of conclusive functional and genetic evidence.

NM_001282933.2(ZNF341):c.20A>G (p.Glu7Gly)

Genes: ZNF341 (zinc finger protein 341; plus strand), LOC130065694 (ATAC-STARR-seq lymphoblastoid silent region 12821; plus strand). Cytogenetic location: 20q11.22.
Variant type: single nucleotide variant.
Coding change: c.20A>G on transcript NM_001282933.2 (MANE Select); coding-DNA position 20, A replaced by G.
Protein change: p.Glu7Gly; replaces glutamic acid 7 with glycine.
Molecular consequence: missense variant. On other transcripts: 5 prime UTR variant (1), non-coding transcript variant (1).
Genome position (GRCh38, 1-based): chr20:33,732,041, A>G. VCF-style: chr20-33732041-A-G. GRCh37 (hg19) VCF-style: chr20-32319847-A-G.
Other names: c.-54A>G (NM_001282935.2); c.20A>G, p.Glu7Gly (NM_032819.5); short protein forms E7G.
Identifiers: ClinVar variation 2635695 (VCV002635695.1), dbSNP rs1242465197, ClinGen allele CA408640303.
Genomic context (GRCh38, chr20:33,732,041, plus strand): 5'-CGGGCTTCGGTTCCTGTGGCGGCGACGGCGGCGGCTCCAAGATGGCGCAGGCGATCTTTG[A>G]GGCCCTGGAGGGTGAGCGGCGGCGGGGCCGGCGGAGGCGGCTGTTCCGCGCTGCGCCCCC-3'
Protein context (NP_001269862.1, residues 1-17): MAQAIF[Glu7Gly]ALEGMDNQTV